The following is an entry in ClinVar:

NM_005215.4(DCC):c.965_966dup (p.Ala323fs)

Gene: DCC (DCC netrin 1 receptor; plus strand). Cytogenetic location: 18q21.2.
Variant type: Microsatellite.
Coding change: c.965_966dup on transcript NM_005215.4 (MANE Select); coding-DNA positions 965 to 966, 2 bases duplicated (CT; older notation c.965_966dupCT).
Protein change: p.Ala323fs; shifts the reading frame from alanine 323.
Molecular consequence: frameshift variant.
Genome position (GRCh38, 1-based): chr18:52,925,350-52,925,351, CT duplicated; duplicating any 2 consecutive bases within chr18:52,925,348-52,925,351 gives the same sequence; the c. name uses the placement nearest the transcript's 3' end. VCF-style (leftmost placement, unchanged base first): chr18-52925347-C-CCT. GRCh37 (hg19) VCF-style: chr18-50451717-C-CCT.
Other names: short protein forms A323fs.
Identifiers: ClinVar variation 2498740 (VCV002498740.28), dbSNP rs2511470526, ClinGen allele CA2580613000.
Genomic context (GRCh38, chr18:52,925,347, plus strand): 5'-CAGATGATGACAGTGGAATGTATACCTGTGTTGTCACATATAAAAATGAGAATATTAGTG[C>CCT]CTCTGCAGAGCTCACAGTCTTGGGTAAGTTAGTGGCTGGAGATGAGTTTATATTGTACCT-3'

ClinVar aggregate classification (germline): Pathogenic (1 of 4 stars; one submission).

Submission:

CeGaT Center for Human Genetics Tuebingen
Classification: Pathogenic. Last evaluated: 2023-01-01. Review status: criteria provided, single submitter. Criteria: CeGaT Center For Human Genetics Tuebingen Variant Classification Criteria Version 2. Collection method: clinical testing. Allele origin: germline. Affected: yes. Observed: 1 variant allele.
Comment: DCC: PVS1, PM2